The following is an entry in ClinVar:

ClinVar aggregate classification (germline): Uncertain significance (1 of 4 stars; one submission).

Submission:

Ambry Genetics
Classification: Uncertain significance. Last evaluated: 2024-09-13. Review status: criteria provided, single submitter. Criteria: Ambry Variant Classification Scheme 2023. Collection method: clinical testing. Allele origin: germline.
Comment: The p.L942F variant (also known as c.2824C>T), located in coding exon 14 of the NPAT gene, results from a C to T substitution at nucleotide position 2824. The leucine at codon 942 is replaced by phenylalanine, an amino acid with highly similar properties. This amino acid position is conserved. In addition, the in silico prediction for this alteration is inconclusive. Based on the available evidence, the clinical significance of this variant remains unclear.

NM_002519.3(NPAT):c.2824C>T (p.Leu942Phe)

Gene: NPAT (nuclear protein, coactivator of histone transcription; minus strand). Cytogenetic location: 11q22.3.
Variant type: single nucleotide variant.
Coding change: c.2824C>T on transcript NM_002519.3 (MANE Select); coding-DNA position 2824, C replaced by T.
Protein change: p.Leu942Phe; replaces leucine 942 with phenylalanine.
Molecular consequence: missense variant.
Genome position (GRCh38, 1-based): chr11:108,170,005, G>A on the plus strand (C>T on the coding strand, the complement: NPAT is on the minus strand). VCF-style: chr11-108170005-G-A. GRCh37 (hg19) VCF-style: chr11-108040732-G-A.
Other names: c.2824C>T, p.Leu942Phe (NM_001321307.1); short protein forms L942F.
Identifiers: ClinVar variation 3407215 (VCV003407215.1).